The following is an entry in ClinVar:

NM_024642.5(GALNT12):c.542-19G>T

Gene: GALNT12 (polypeptide N-acetylgalactosaminyltransferase 12; plus strand). Cytogenetic location: 9q22.33.
Variant type: single nucleotide variant.
Coding change: c.542-19G>T on transcript NM_024642.5 (MANE Select); 19 bases into the intron before coding-DNA position 542, G replaced by T.
Molecular consequence: intron variant.
Genome position (GRCh38, 1-based): chr9:98,826,733, G>T. VCF-style: chr9-98826733-G-T. GRCh37 (hg19) VCF-style: chr9-101589015-G-T.
Identifiers: ClinVar variation 4876115 (VCV004876115.1).

ClinVar aggregate classification (germline): Likely benign (1 of 4 stars; one submission).

Conditions:
Colorectal cancer, susceptibility to, 1. Also called: COLORECTAL ADENOMA AND CANCER, SUSCEPTIBILITY TO; COLORECTAL CANCER, SUSCEPTIBILITY TO, ON CHROMOSOME 9. Identifiers: MedGen C1837315, MONDO:0012132, OMIM 608812.

Submission:

Myriad Genetics, Inc.
Classification: Likely benign for Colorectal cancer, susceptibility to, 1. Last evaluated: 2026-04-21. Review status: criteria provided, single submitter. Criteria: Myriad Autosomal Dominant, Autosomal Recessive and X-Linked Classification Criteria (2023). Collection method: clinical testing. Allele origin: unknown.
Comment: This variant is considered likely benign. This variant is intronic and is not expected to impact mRNA splicing.